The following is an entry in ClinVar:

ClinVar aggregate classification (germline): Uncertain significance. Review status: criteria provided, multiple submitters, no conflicts (2 of 4 stars). 3 submissions from 3 submitters: Uncertain significance (3). Last evaluated 2024-03-29.

Conditions:
Hereditary spastic paraplegia 11. Also called: Nakamura Osame syndrome; Autosomal recessive hereditary spastic paraplegia, mental impairment, and thin corpus callosum; Spastic Paraplegia 11; Spastic paraplegia, mental retardation and thin corpus callosum; SPASTIC PARAPLEGIA, AUTOSOMAL RECESSIVE, COMPLICATED, WITH THIN CORPUS CALLOSUM; SPASTIC PARAPLEGIA, AUTOSOMAL RECESSIVE, WITH MENTAL IMPAIRMENT AND THIN CORPUS CALLOSUM. Identifiers: Orphanet 2822, MedGen C1858479, MONDO:0011445, OMIM 604360.
Inborn genetic diseases. Identifiers: MedGen C0950123, MeSH D030342.

Allele frequency attached by ClinVar (database versions not stated): gnomAD 0.00001; gnomAD exomes 0.00001; ExAC 0.00002; TOPMed 0.00002.
gnomAD v4.1: 11 of 1,614,116 alleles (0.00068%); highest among the groups gnomAD compares: Middle Eastern, 0.016%; no homozygotes.

Submissions (3):

Genomic Medicine Center of Excellence, King Faisal Specialist Hospital and Research Centre
Classification: Uncertain significance for Hereditary spastic paraplegia 11. Last evaluated: 2024-03-29. Review status: criteria provided, single submitter. Criteria: ACMG Guidelines, 2015. Collection method: clinical testing. Allele origin: germline.

Ambry Genetics
Classification: Uncertain significance for Inborn genetic diseases. Last evaluated: 2023-08-08. Review status: criteria provided, single submitter. Criteria: Ambry Variant Classification Scheme 2023. Collection method: clinical testing. Allele origin: germline.

Labcorp Genetics (formerly Invitae), Labcorp
Classification: Uncertain significance for Hereditary spastic paraplegia 11. Last evaluated: 2022-05-21. Review status: criteria provided, single submitter. Criteria: Invitae Variant Classification Sherloc (09022015). Collection method: clinical testing. Allele origin: germline.
Comment: This sequence change replaces serine, which is neutral and polar, with proline, which is neutral and non-polar, at codon 1521 of the SPG11 protein (p.Ser1521Pro). This variant is present in population databases (rs748236366, gnomAD 0.003%). This variant has not been reported in the literature in individuals affected with SPG11-related conditions. ClinVar contains an entry for this variant (Variation ID: 1021124). Algorithms developed to predict the effect of missense changes on protein structure and function are either unavailable or do not agree on the potential impact of this missense change (SIFT: "Deleterious"; PolyPhen-2: "Benign"; Align-GVGD: "Class C0"). In summary, the available evidence is currently insufficient to determine the role of this variant in disease. Therefore, it has been classified as a Variant of Uncertain Significance.

NM_025137.4(SPG11):c.4561T>C (p.Ser1521Pro)

Gene: SPG11 (SPG11 vesicle trafficking associated, spatacsin; minus strand). Cytogenetic location: 15q21.1.
Variant type: single nucleotide variant.
Coding change: c.4561T>C on transcript NM_025137.4 (MANE Select); coding-DNA position 4561, T replaced by C.
Protein change: p.Ser1521Pro; replaces serine 1521 with proline.
Molecular consequence: missense variant.
Genome position (GRCh38, 1-based): chr15:44,595,333, A>G on the plus strand (T>C on the coding strand, the complement: SPG11 is on the minus strand). VCF-style: chr15-44595333-A-G. GRCh37 (hg19) VCF-style: chr15-44887531-A-G.
Other names: c.4561T>C (NM_025137.3); c.4561T>C, p.Ser1521Pro (NM_001160227.2); short protein forms S1521P.
Identifiers: ClinVar variation 1021124 (VCV001021124.8), dbSNP rs748236366, ClinGen allele CA7534645.